The following is an entry in ClinVar:

NM_001127671.2(LIFR):c.1290del (p.Val431fs)

Gene: LIFR (LIF receptor subunit alpha; minus strand). Cytogenetic location: 5p13.1.
Variant type: Deletion.
Coding change: c.1290del on transcript NM_001127671.2 (MANE Select); coding-DNA position 1290, one base deleted (A; older notation c.1290delA).
Protein change: p.Val431fs; shifts the reading frame from valine 431.
Molecular consequence: frameshift variant.
Genome position (GRCh38, 1-based): chr5:38,505,906, T deleted on the plus strand (A on the coding strand, the reverse complement: LIFR is on the minus strand); the first of 5 consecutive T bases (chr5:38,505,906-38,505,910); deleting any one gives the same sequence. VCF-style (leftmost placement, unchanged base first): chr5-38505905-CT-C. GRCh37 (hg19) VCF-style: chr5-38506007-CT-C.
Other names: c.1290del, p.Val431fs (NM_001364297.2, NM_001364298.2, NM_002310.6); short protein forms V431fs.
Identifiers: ClinVar variation 1074532 (VCV001074532.7), dbSNP rs2112470883, ClinGen allele CA2499217859.

ClinVar aggregate classification (germline): Pathogenic (1 of 4 stars; one submission).

Submission:

Labcorp Genetics (formerly Invitae), Labcorp
Classification: Pathogenic. Last evaluated: 2023-04-28. Review status: criteria provided, single submitter. Criteria: Invitae Variant Classification Sherloc (09022015). Collection method: clinical testing. Allele origin: germline.
Comment: For these reasons, this variant has been classified as Pathogenic. ClinVar contains an entry for this variant (Variation ID: 1074532). This variant has not been reported in the literature in individuals affected with LIFR-related conditions. This variant is not present in population databases (gnomAD no frequency). This sequence change creates a premature translational stop signal (p.Val431Phefs*11) in the LIFR gene. It is expected to result in an absent or disrupted protein product. Loss-of-function variants in LIFR are known to be pathogenic (PMID: 14740318).

Literature cited by the submitters: PubMed 14740318.